The following is an entry in ClinVar:

ClinVar aggregate classification (germline): Conflicting classifications of pathogenicity. Review status: criteria provided, conflicting classifications (1 of 4 stars). 2 submissions from 2 submitters: Uncertain significance (1); Likely benign (1). Last evaluated 2025-11-10.

Conditions:
TSPEAR-related disorder. Also called: TSPEAR-related condition.

Allele frequency attached by ClinVar (database versions not stated): ExAC 0.00007; gnomAD 0.00008; TOPMed 0.00015; ESP Exome Variant Server 0.00031.
gnomAD v4.1: 312 of 1,612,536 alleles (0.019%); highest among the groups gnomAD compares: Non-Finnish European, 0.026%; no homozygotes.

Submissions (2):

PreventionGenetics, part of Exact Sciences
Classification: Likely benign for TSPEAR-related condition. Last evaluated: 2025-11-10. Review status: criteria provided, single submitter. Criteria: ACMG Guidelines, 2015. Collection method: clinical testing. Allele origin: germline.
Comment: This variant is classified as likely benign based on ACMG/AMP sequence variant interpretation guidelines (Richards et al. 2015 PMID: 25741868, with internal and published modifications).

Labcorp Genetics (formerly Invitae), Labcorp
Classification: Uncertain significance. Last evaluated: 2021-06-22. Review status: criteria provided, single submitter. Criteria: Invitae Variant Classification Sherloc (09022015). Collection method: clinical testing. Allele origin: germline.
Comment: This sequence change falls in intron 4 of the TSPEAR gene. It does not directly change the encoded amino acid sequence of the TSPEAR protein. It affects a nucleotide within the consensus splice site of the intron. This variant is present in population databases (rs373504201, ExAC 0.02%). This variant has not been reported in the literature in individuals affected with TSPEAR-related conditions. Nucleotide substitutions within the consensus splice site are a relatively common cause of aberrant splicing (PMID: 17576681, 9536098). Algorithms developed to predict the effect of sequence changes on RNA splicing suggest that this variant may create or strengthen a splice site. In summary, the available evidence is currently insufficient to determine the role of this variant in disease. Therefore, it has been classified as a Variant of Uncertain Significance.

Literature cited by the submitters: PubMed 17576681 (cited by Labcorp Genetics (formerly Invitae), Labcorp); PubMed 9536098 (cited by Labcorp Genetics (formerly Invitae), Labcorp).

NM_144991.3(TSPEAR):c.633+2C>T

Gene: TSPEAR (thrombospondin type laminin G domain and EAR repeats; minus strand). Cytogenetic location: 21q22.3.
Variant type: single nucleotide variant.
Coding change: c.633+2C>T on transcript NM_144991.3 (MANE Select); the canonical splice donor site of the intron after coding-DNA position 633, C replaced by T.
Molecular consequence: splice donor variant.
Genome position (GRCh38, 1-based): chr21:44,531,041, G>A on the plus strand (C>T on the coding strand, the complement: TSPEAR is on the minus strand). VCF-style: chr21-44531041-G-A. GRCh37 (hg19) VCF-style: chr21-45950924-G-A.
Other names: c.429+2C>T (NM_001272037.2); c.633+2C>T (NM_144991.2).
Identifiers: ClinVar variation 1506041 (VCV001506041.5), dbSNP rs373504201, ClinGen allele CA10056925.
Genomic context (GRCh38, chr21:44,531,041, plus strand): 5'-CTGGCCTGGGGCAGTCCCATCCCGCAGCACGGGTGTTGGGAAGGCAGCCCCTCCATACTC[G>A]CCATGAACAGGCCTTTGGCTCTCCTCCGGCTGCCGACGAAGAATCGAGCTCCTTTCACTG-3'